The following is an entry in ClinVar:

NM_003193.5(TBCE):c.*142T>A

Genes: B3GALNT2 (beta-1,3-N-acetylgalactosaminyltransferase 2; minus strand), TBCE (tubulin folding cofactor E; plus strand). Cytogenetic location: 1q42.3.
Variant type: single nucleotide variant.
Coding change: c.*142T>A on transcript NM_003193.5 (MANE Select); 142 bases downstream of the stop codon, T replaced by A.
Molecular consequence: 3 prime UTR variant.
Genome position (GRCh38, 1-based): chr1:235,448,904, T>A. VCF-style: chr1-235448904-T-A. GRCh37 (hg19) VCF-style: chr1-235612219-T-A.
Other names: c.*1302A>T (NM_152490.5); c.*142T>A (NM_001079515.3, NM_001287801.2, NM_001287802.2).
Identifiers: ClinVar variation 296316 (VCV000296316.9), dbSNP rs7537, ClinGen allele CA10610394.

ClinVar aggregate classification (germline): Benign. Review status: criteria provided, multiple submitters, no conflicts (2 of 4 stars). 3 submissions from 3 submitters: Benign (3). Last evaluated 2021-05-22.

Conditions:
Hypoparathyroidism-retardation-dysmorphism syndrome (HRDS). Also called: SANJAD-SAKATI SYNDROME. Identifiers: Orphanet 2323, MedGen C1855840, MONDO:0009426, OMIM 241410.

Allele frequency attached by ClinVar (database versions not stated): gnomAD exomes 0.09060; 1000 Genomes Project 0.11641; 1000 Genomes Project 30x 0.12336; gnomAD 0.12689 and 0.13128; TOPMed 0.13121.
gnomAD v4.1: 68,590 of 694,646 alleles (9.9%); highest among the groups gnomAD compares: African/African-American, 23%; 4,218 homozygotes.

Submissions (3):

GeneDx
Classification: Benign. Last evaluated: 2021-05-22. Review status: criteria provided, single submitter. Criteria: GeneDx Variant Classification Process June 2021. Collection method: clinical testing. Allele origin: germline. Affected: yes.

Illumina Laboratory Services, Illumina
Classification: Benign for Hypoparathyroidism-retardation-dysmorphism syndrome. Last evaluated: 2018-01-13. Review status: criteria provided, single submitter. Criteria: ICSL Variant Classification Criteria 13 December 2019. Collection method: clinical testing. Allele origin: germline.
Comment: This variant was observed in the ICSL laboratory as part of a predisposition screen in an ostensibly healthy population. It had not been previously curated by ICSL or reported in the Human Gene Mutation Database (HGMD: prior to June 1st, 2018), and was therefore a candidate for classification through an automated scoring system. Utilizing variant allele frequency, disease prevalence and penetrance estimates, and inheritance mode, an automated score was calculated to assess if this variant is too frequent to cause the disease. Based on the score and internal cut-off values, a variant classified as benign is not then subjected to further curation. The score for this variant resulted in a classification of benign for this disease.

Breakthrough Genomics
Classification: Benign. Review status: criteria provided, single submitter. Criteria: ACMG Guidelines, 2015. Collection method: not provided. Allele origin: germline. Inheritance: Autosomal recessive inheritance. Affected: yes.